The following is an entry in ClinVar:

ClinVar aggregate classification (germline): Benign/Likely benign. Review status: criteria provided, multiple submitters, no conflicts (2 of 4 stars). 3 submissions from 3 submitters: Benign (1); Likely benign (2). Last evaluated 2025-12-03.

Conditions:
Hereditary cancer-predisposing syndrome. Also called: Hereditary Cancer Syndrome; Hereditary neoplastic syndrome; Neoplastic Syndromes, Hereditary; Tumor predisposition. Identifiers: Orphanet 140162, MedGen C0027672, MeSH D009386, MONDO:0015356.
Familial adenomatous polyposis 1 (FAP1). Also called: FAMILIAL ADENOMATOUS POLYPOSIS 1, ATTENUATED; POLYPOSIS, ADENOMATOUS INTESTINAL. Identifiers: MedGen C2713442, MONDO:0021056, OMIM 175100. Disease mechanism: loss of function.

gnomAD v4.1: 1 of 1,613,996 alleles (0.000062%); highest among the groups gnomAD compares: Non-Finnish European, 0.000085%; no homozygotes.

Submissions (3):

Labcorp Genetics (formerly Invitae), Labcorp
Classification: Likely benign for Familial adenomatous polyposis 1. Last evaluated: 2025-12-03. Review status: criteria provided, single submitter. Criteria: Invitae Variant Classification Sherloc (09022015). Collection method: clinical testing. Allele origin: germline.

Myriad Genetics, Inc.
Classification: Benign for Familial adenomatous polyposis 1. Last evaluated: 2024-04-10. Review status: criteria provided, single submitter. Criteria: Myriad Autosomal Dominant, Autosomal Recessive and X-Linked Classification Criteria (2023). Collection method: clinical testing. Allele origin: unknown.
Comment: This variant is considered benign. This variant is a silent/synonymous amino acid change and it is not expected to impact splicing.

Ambry Genetics
Classification: Likely benign for Hereditary cancer-predisposing syndrome. Last evaluated: 2023-01-07. Review status: criteria provided, single submitter. Criteria: Ambry Variant Classification Scheme 2023. Collection method: clinical testing. Allele origin: germline.

NM_000038.6(APC):c.7752A>G (p.Ala2584=)

Gene: APC (APC regulator of Wnt signaling pathway; plus strand). Cytogenetic location: 5q22.2.
Variant type: single nucleotide variant.
Coding change: c.7752A>G on transcript NM_000038.6 (MANE Select); coding-DNA position 7752, A replaced by G.
Protein change: p.Ala2584=; no amino-acid change (alanine 2584 retained).
Molecular consequence: synonymous variant.
Genome position (GRCh38, 1-based): chr5:112,843,346, A>G. VCF-style: chr5-112843346-A-G. GRCh37 (hg19) VCF-style: chr5-112179043-A-G.
Other names: c.7752A>G, p.Ala2584= (NM_001127510.3, NM_001354895.2); c.7698A>G, p.Ala2566= (NM_001127511.3); c.7806A>G, p.Ala2602= (NM_001354896.2); c.7782A>G, p.Ala2594= (NM_001354897.2); c.7677A>G, p.Ala2559= (NM_001354898.2); c.7668A>G, p.Ala2556= (NM_001354899.2); c.7629A>G, p.Ala2543= (NM_001354900.2); c.7575A>G, p.Ala2525= (NM_001354901.2); and 6 more.
Identifiers: ClinVar variation 1568009 (VCV001568009.48), dbSNP rs2149993168, ClinGen allele CA446211197.